The following is an entry in ClinVar:

ClinVar aggregate classification (germline): Uncertain significance (1 of 4 stars; one submission).

Conditions:
Progressive myoclonic epilepsy type 9. Identifiers: Orphanet 457265, MedGen C4225289, MONDO:0014685, OMIM 616540.
Lipodystrophy, partial, acquired, susceptibility to (APLD). Also called: APLD, SUSCEPTIBILITY TO. Identifiers: MedGen C3887501, MONDO:0100476, OMIM 608709.

Submission:

Labcorp Genetics (formerly Invitae), Labcorp
Classification: Uncertain significance for Progressive myoclonic epilepsy type 9; Lipodystrophy, partial, acquired, susceptibility to. Last evaluated: 2026-02-03. Review status: criteria provided, single submitter. Criteria: Invitae Variant Classification Sherloc (09022015). Collection method: clinical testing. Allele origin: germline.
Comment: This sequence change replaces glycine, which is neutral and non-polar, with valine, which is neutral and non-polar, at codon 423 of the LMNB2 protein (p.Gly423Val). This variant is not present in population databases (gnomAD no frequency). This variant has not been reported in the literature in individuals affected with LMNB2-related conditions. Invitae Evidence Modeling of protein sequence and biophysical properties (such as structural, functional, and spatial information, amino acid conservation, physicochemical variation, residue mobility, and thermodynamic stability) indicates that this missense variant is not expected to disrupt LMNB2 protein function with a negative predictive value of 80%. In summary, the available evidence is currently insufficient to determine the role of this variant in disease. Therefore, it has been classified as a Variant of Uncertain Significance.

NM_032737.4(LMNB2):c.1268G>T (p.Gly423Val)

Gene: LMNB2 (lamin B2; minus strand). Cytogenetic location: 19p13.3.
Variant type: single nucleotide variant.
Coding change: c.1268G>T on transcript NM_032737.4 (MANE Select); coding-DNA position 1268, G replaced by T.
Protein change: p.Gly423Val; replaces glycine 423 with valine.
Molecular consequence: missense variant.
Genome position (GRCh38, 1-based): chr19:2,434,040, C>A on the plus strand (G>T on the coding strand, the complement: LMNB2 is on the minus strand). VCF-style: chr19-2434040-C-A. GRCh37 (hg19) VCF-style: chr19-2434038-C-A.
Other names: short protein forms G423V.
Identifiers: ClinVar variation 4790888 (VCV004790888.1).
Genomic context (GRCh38, chr19:2,434,040, plus strand): 5'-TCCTCCACCTCCAGCCGCTTCCGCTTACTGCGGCCCAGGCGCCCGGTGGCGGACAAGCTG[C>A]CGCTGCTGCTCGAGGTGGCTCGTGAGACGGTGACGCGCGAGGATGGGCTGGGGGACAGCT-3'
Protein context (NP_116126.3, residues 413-433): TVSRATSSSS[Gly423Val]SLSATGRLGR